The following is an entry in ClinVar:

ClinVar aggregate classification (germline): Uncertain significance (1 of 4 stars; one submission).

Submission:

Labcorp Genetics (formerly Invitae), Labcorp
Classification: Uncertain significance. Last evaluated: 2022-08-08. Review status: criteria provided, single submitter. Criteria: Invitae Variant Classification Sherloc (09022015). Collection method: clinical testing. Allele origin: germline.
Comment: Algorithms developed to predict the effect of missense changes on protein structure and function are either unavailable or do not agree on the potential impact of this missense change (SIFT: "Tolerated"; PolyPhen-2: "Probably Damaging"; Align-GVGD: "Class C0"). Algorithms developed to predict the effect of sequence changes on RNA splicing suggest that this variant may create or strengthen a splice site. In summary, the available evidence is currently insufficient to determine the role of this variant in disease. Therefore, it has been classified as a Variant of Uncertain Significance. This sequence change replaces isoleucine, which is neutral and non-polar, with threonine, which is neutral and polar, at codon 328 of the PEX3 protein (p.Ile328Thr). This variant is not present in population databases (gnomAD no frequency). This variant has not been reported in the literature in individuals affected with PEX3-related conditions.

NM_003630.3(PEX3):c.983T>C (p.Ile328Thr)

Gene: PEX3 (peroxisomal biogenesis factor 3; plus strand). Cytogenetic location: 6q24.2.
Variant type: single nucleotide variant.
Coding change: c.983T>C on transcript NM_003630.3 (MANE Select); coding-DNA position 983, T replaced by C.
Protein change: p.Ile328Thr; replaces isoleucine 328 with threonine.
Molecular consequence: missense variant.
Genome position (GRCh38, 1-based): chr6:143,485,193, T>C. VCF-style: chr6-143485193-T-C. GRCh37 (hg19) VCF-style: chr6-143806330-T-C.
Other names: short protein forms I328T.
Identifiers: ClinVar variation 2121616 (VCV002121616.4), dbSNP rs2482459504, ClinGen allele CA365887406.